The following is an entry in ClinVar:

ClinVar aggregate classification (germline): Uncertain significance (1 of 4 stars; one submission).

Submission:

Labcorp Genetics (formerly Invitae), Labcorp
Classification: Uncertain significance. Last evaluated: 2023-12-19. Review status: criteria provided, single submitter. Criteria: Invitae Variant Classification Sherloc (09022015). Collection method: clinical testing. Allele origin: germline.
Comment: This sequence change replaces alanine, which is neutral and non-polar, with valine, which is neutral and non-polar, at codon 1061 of the JAK1 protein (p.Ala1061Val). This variant is not present in population databases (gnomAD no frequency). This variant has not been reported in the literature in individuals affected with JAK1-related conditions. Advanced modeling of protein sequence and biophysical properties (such as structural, functional, and spatial information, amino acid conservation, physicochemical variation, residue mobility, and thermodynamic stability) performed at Invitae indicates that this missense variant is expected to disrupt JAK1 protein function with a positive predictive value of 80%. Algorithms developed to predict the effect of sequence changes on RNA splicing suggest that this variant may disrupt the consensus splice site. In summary, the available evidence is currently insufficient to determine the role of this variant in disease. Therefore, it has been classified as a Variant of Uncertain Significance.

NM_002227.4(JAK1):c.3182C>T (p.Ala1061Val)

Gene: JAK1 (Janus kinase 1; minus strand). Cytogenetic location: 1p31.3.
Variant type: single nucleotide variant.
Coding change: c.3182C>T on transcript NM_002227.4 (MANE Select); coding-DNA position 3182, C replaced by T.
Protein change: p.Ala1061Val; replaces alanine 1061 with valine.
Molecular consequence: missense variant.
Genome position (GRCh38, 1-based): chr1:64,836,174, G>A on the plus strand (C>T on the coding strand, the complement: JAK1 is on the minus strand). VCF-style: chr1-64836174-G-A. GRCh37 (hg19) VCF-style: chr1-65301857-G-A.
Other names: c.3182C>T, p.Ala1061Val (NM_001320923.2, NM_001321852.2, NM_001321853.2 and 3 more transcripts); c.3179C>T, p.Ala1060Val (NM_001321857.2); short protein forms A1060V, A1061V.
Identifiers: ClinVar variation 2799971 (VCV002799971.3), dbSNP rs2523978083, ClinGen allele CA340661026.